The following is an entry in ClinVar:

ClinVar aggregate classification (germline): Uncertain significance. Review status: criteria provided, multiple submitters, no conflicts (2 of 4 stars). 3 submissions from 3 submitters: Uncertain significance (3). Last evaluated 2024-10-03.

Conditions:
DMP1-related disorder. Also called: DMP1-related condition.
Hypophosphatemic rickets, autosomal recessive, 1 (ARHR1). Also called: HYPOPHOSPHATEMIA, AUTOSOMAL RECESSIVE. Identifiers: Orphanet 289176, MedGen C4551495, MONDO:0009430, OMIM 241520. Disease mechanism: loss of function.

Allele frequency attached by ClinVar (database versions not stated): gnomAD exomes 0.00003; ExAC 0.00004; TOPMed 0.00012; gnomAD 0.00015 and 0.00016; ESP Exome Variant Server 0.00023.
gnomAD v4.1: 137 of 1,614,056 alleles (0.0085%); highest among the groups gnomAD compares: African/African-American, 0.019%; no homozygotes.

Submissions (3):

PreventionGenetics, part of Exact Sciences
Classification: Uncertain significance for DMP1-related condition. Last evaluated: 2024-10-03. Review status: criteria provided, single submitter. Criteria: ACMG Guidelines, 2015. Collection method: clinical testing. Allele origin: germline.
Comment: The DMP1 c.313G>A variant is predicted to result in the amino acid substitution p.Asp105Asn. To our knowledge, this variant has not been reported in the literature. This variant is reported in 0.016% of alleles in individuals of African descent in gnomAD. At this time, the clinical significance of this variant is uncertain due to the absence of conclusive functional and genetic evidence.

Labcorp Genetics (formerly Invitae), Labcorp
Classification: Uncertain significance. Last evaluated: 2022-03-05. Review status: criteria provided, single submitter. Criteria: Invitae Variant Classification Sherloc (09022015). Collection method: clinical testing. Allele origin: germline.
Comment: This sequence change replaces aspartic acid, which is acidic and polar, with asparagine, which is neutral and polar, at codon 105 of the DMP1 protein (p.Asp105Asn). This variant is present in population databases (rs142880465, gnomAD 0.02%). This variant has not been reported in the literature in individuals affected with DMP1-related conditions. ClinVar contains an entry for this variant (Variation ID: 903754). Algorithms developed to predict the effect of missense changes on protein structure and function are either unavailable or do not agree on the potential impact of this missense change (SIFT: "Deleterious"; PolyPhen-2: "Probably Damaging"; Align-GVGD: "Class C15"). In summary, the available evidence is currently insufficient to determine the role of this variant in disease. Therefore, it has been classified as a Variant of Uncertain Significance.

Illumina Laboratory Services, Illumina
Classification: Uncertain significance for Hypophosphatemic rickets, autosomal recessive, 1. Last evaluated: 2018-01-13. Review status: criteria provided, single submitter. Criteria: ICSL Variant Classification Criteria 13 December 2019. Collection method: clinical testing. Allele origin: germline.

NM_004407.4(DMP1):c.313G>A (p.Asp105Asn)

Genes: DMP1 (dentin matrix acidic phosphoprotein 1; plus strand), DMP1-AS1 (DMP1 and DSPP antisense RNA 1; minus strand). Cytogenetic location: 4q22.1.
Variant type: single nucleotide variant.
Coding change: c.313G>A on transcript NM_004407.4 (MANE Select); coding-DNA position 313, G replaced by A.
Protein change: p.Asp105Asn; replaces aspartic acid 105 with asparagine.
Molecular consequence: missense variant.
Genome position (GRCh38, 1-based): chr4:87,662,091, G>A. VCF-style: chr4-87662091-G-A. GRCh37 (hg19) VCF-style: chr4-88583243-G-A.
Other names: c.265G>A, p.Asp89Asn (NM_001079911.3); short protein forms D105N, D89N.
Identifiers: ClinVar variation 903754 (VCV000903754.13), dbSNP rs142880465, ClinGen allele CA3002008.
Genomic context (GRCh38, chr4:87,662,091, plus strand): 5'-TATAGGCTAGCTGGTGGCTTCTCCAGGAGCACAGGAAAAGGAGGAGATGATAAAGATGAC[G>A]ATGAAGATGACAGTGGAGATGACACCTTTGGTGACGATGACAGTGGCCCAGGGCCCAAAG-3'
Protein context (NP_004398.1, residues 95-115): TGKGGDDKDD[Asp105Asn]EDDSGDDTFG